The following is an entry in ClinVar:

ClinVar aggregate classification (germline): Uncertain significance (1 of 4 stars; one submission).

Conditions:
Chromosome 2q32-q33 deletion syndrome (GLASS). Also called: Glass syndrome; 2q33.1 deletion syndrome. Identifiers: Orphanet 251019, MedGen C2676739, MONDO:0012864, OMIM 612313.

gnomAD v4.1: 1 of 1,614,120 alleles (0.000062%); highest among the groups gnomAD compares: South Asian, 0.0011%; no homozygotes.

Submission:

Labcorp Genetics (formerly Invitae), Labcorp
Classification: Uncertain significance for Chromosome 2q32-q33 deletion syndrome. Last evaluated: 2022-11-01. Review status: criteria provided, single submitter. Criteria: Invitae Variant Classification Sherloc (09022015). Collection method: clinical testing. Allele origin: germline.
Comment: In summary, the available evidence is currently insufficient to determine the role of this variant in disease. Therefore, it has been classified as a Variant of Uncertain Significance. Advanced modeling of protein sequence and biophysical properties (such as structural, functional, and spatial information, amino acid conservation, physicochemical variation, residue mobility, and thermodynamic stability) performed at Invitae indicates that this missense variant is not expected to disrupt SATB2 protein function. This variant has not been reported in the literature in individuals affected with SATB2-related conditions. This variant is present in population databases (rs761112090, gnomAD 0.003%). This sequence change replaces methionine, which is neutral and non-polar, with leucine, which is neutral and non-polar, at codon 568 of the SATB2 protein (p.Met568Leu).

NM_001172509.2(SATB2):c.1702A>T (p.Met568Leu)

Gene: SATB2 (SATB homeobox 2; minus strand). Cytogenetic location: 2q33.1.
Variant type: single nucleotide variant.
Coding change: c.1702A>T on transcript NM_001172509.2 (MANE Select); coding-DNA position 1702, A replaced by T.
Protein change: p.Met568Leu; replaces methionine 568 with leucine.
Molecular consequence: missense variant.
Genome position (GRCh38, 1-based): chr2:199,308,798, T>A on the plus strand (A>T on the coding strand, the complement: SATB2 is on the minus strand). VCF-style: chr2-199308798-T-A. GRCh37 (hg19) VCF-style: chr2-200173521-T-A.
Other names: c.1702A>T, p.Met568Leu (NM_001172517.1, NM_015265.4); short protein forms M568L.
Identifiers: ClinVar variation 2120867 (VCV002120867.4), dbSNP rs761112090, ClinGen allele CA2045835.